The following is an entry in ClinVar:

ClinVar aggregate classification (germline): Uncertain significance. Review status: criteria provided, multiple submitters, no conflicts (2 of 4 stars). 2 submissions from 2 submitters: Uncertain significance (2). Last evaluated 2026-07-07.

Conditions:
Hereditary cancer-predisposing syndrome. Also called: Tumor predisposition; Hereditary neoplastic syndrome; Neoplastic Syndromes, Hereditary; Hereditary Cancer Syndrome. Identifiers: Orphanet 140162, MedGen C0027672, MeSH D009386, MONDO:0015356.
Juvenile polyposis syndrome (JPS). Identifiers: Orphanet 2929, MedGen C0345893, MONDO:0017380, OMIM 174900.

Allele frequency attached by ClinVar (database versions not stated): gnomAD exomes below 0.00001.

Submissions (2):

Ambry Genetics
Classification: Uncertain significance for Hereditary cancer-predisposing syndrome. Last evaluated: 2026-07-07. Review status: criteria provided, single submitter. Criteria: Ambry Variant Classification Scheme 2023. Collection method: clinical testing. Allele origin: germline.
Comment: The p.M29V variant (also known as c.85A>G), located in coding exon 2 of the BMPR1A gene, results from an A to G substitution at nucleotide position 85. The methionine at codon 29 is replaced by valine, an amino acid with highly similar properties. This amino acid position is conserved. In addition, this alteration is predicted to be tolerated by in silico analysis. Based on the available evidence, the clinical significance of this variant remains unclear.

Labcorp Genetics (formerly Invitae), Labcorp
Classification: Uncertain significance for Juvenile polyposis syndrome. Last evaluated: 2022-09-06. Review status: criteria provided, single submitter. Criteria: Invitae Variant Classification Sherloc (09022015). Collection method: clinical testing. Allele origin: germline.
Comment: In summary, the available evidence is currently insufficient to determine the role of this variant in disease. Therefore, it has been classified as a Variant of Uncertain Significance. Advanced modeling of protein sequence and biophysical properties (such as structural, functional, and spatial information, amino acid conservation, physicochemical variation, residue mobility, and thermodynamic stability) performed at Invitae indicates that this missense variant is not expected to disrupt BMPR1A protein function. This variant has not been reported in the literature in individuals affected with BMPR1A-related conditions. This variant is not present in population databases (gnomAD no frequency). This sequence change replaces methionine, which is neutral and non-polar, with valine, which is neutral and non-polar, at codon 29 of the BMPR1A protein (p.Met29Val).

NM_004329.3(BMPR1A):c.85A>G (p.Met29Val)

Gene: BMPR1A (bone morphogenetic protein receptor type 1A; plus strand). Cytogenetic location: 10q23.2.
Variant type: single nucleotide variant.
Coding change: c.85A>G on transcript NM_004329.3 (MANE Select); coding-DNA position 85, A replaced by G.
Protein change: p.Met29Val; replaces methionine 29 with valine.
Molecular consequence: missense variant.
Genome position (GRCh38, 1-based): chr10:86,890,079, A>G. VCF-style: chr10-86890079-A-G. GRCh37 (hg19) VCF-style: chr10-88649836-A-G.
Other names: c.85A>G, p.Met29Val (NM_001406559.1, NM_001406560.1, NM_001406561.1 and 23 more transcripts); c.1A>G, p.Met1Val (NM_001406584.1, NM_001406585.1, NM_001406586.1 and 2 more transcripts); short protein forms M1V, M29V.
Identifiers: ClinVar variation 1718897 (VCV001718897.7), dbSNP rs2539430075, ClinGen allele CA377446281.